The following is an entry in ClinVar:

NM_000257.4(MYH7):c.5248A>G (p.Asn1750Asp)

Genes: MYH7 (myosin heavy chain 7; minus strand), LOC126861897 (BRD4-independent group 4 enhancer GRCh37_chr14:23884455-23885654; plus strand). Cytogenetic location: 14q11.2.
Variant type: single nucleotide variant.
Coding change: c.5248A>G on transcript NM_000257.4 (MANE Select); coding-DNA position 5248, A replaced by G.
Protein change: p.Asn1750Asp; replaces asparagine 1750 with aspartic acid.
Molecular consequence: missense variant.
Genome position (GRCh38, 1-based): chr14:23,415,416, T>C on the plus strand (A>G on the coding strand, the complement: MYH7 is on the minus strand). VCF-style: chr14-23415416-T-C. GRCh37 (hg19) VCF-style: chr14-23884625-T-C.
Other names: short protein forms N1750D.
Identifiers: ClinVar variation 1415966 (VCV001415966.8), dbSNP rs2138639378, ClinGen allele CA389036181.

ClinVar aggregate classification (germline): Uncertain significance (1 of 4 stars; one submission).

Conditions:
Hypertrophic cardiomyopathy. Also called: HYPERTROPHIC MYOCARDIOPATHY. Identifiers: Orphanet 217569, MedGen C0007194, MeSH D002312, MONDO:0005045, HP:0001639.

Submission:

Labcorp Genetics (formerly Invitae), Labcorp
Classification: Uncertain significance for Hypertrophic cardiomyopathy. Last evaluated: 2020-12-01. Review status: criteria provided, single submitter. Criteria: Invitae Variant Classification Sherloc (09022015). Collection method: clinical testing. Allele origin: germline.
Comment: In summary, the available evidence is currently insufficient to determine the role of this variant in disease. Therefore, it has been classified as a Variant of Uncertain Significance. Algorithms developed to predict the effect of missense changes on protein structure and function are either unavailable or do not agree on the potential impact of this missense change (SIFT: "Tolerated"; PolyPhen-2: "Probably Damaging"; Align-GVGD: "Class C0"). This variant has not been reported in the literature in individuals with MYH7-related conditions. This variant is not present in population databases (ExAC no frequency). This sequence change replaces asparagine with aspartic acid at codon 1750 of the MYH7 protein (p.Asn1750Asp). The asparagine residue is moderately conserved and there is a small physicochemical difference between asparagine and aspartic acid.